The following is an entry in ClinVar:

NM_182925.5(FLT4):c.3196C>T (p.Pro1066Ser)

Gene: FLT4 (fms related receptor tyrosine kinase 4; minus strand). Cytogenetic location: 5q35.3.
Variant type: single nucleotide variant.
Coding change: c.3196C>T on transcript NM_182925.5 (MANE Select); coding-DNA position 3196, C replaced by T.
Protein change: p.Pro1066Ser; replaces proline 1066 with serine.
Molecular consequence: missense variant.
Genome position (GRCh38, 1-based): chr5:180,616,390, G>A on the plus strand (C>T on the coding strand, the complement: FLT4 is on the minus strand). VCF-style: chr5-180616390-G-A. GRCh37 (hg19) VCF-style: chr5-180043390-G-A.
Other names: c.3196C>T, p.Pro1066Ser (NM_001354989.2, NM_002020.5); short protein forms P1066S.
Identifiers: ClinVar variation 4996662 (VCV004996662.1).

ClinVar aggregate classification (germline): Uncertain significance (1 of 4 stars; one submission).

Conditions:
FLT4-related disorder. Also called: FLT4-related condition.

gnomAD v4.1: 2 of 1,613,864 alleles (0.00012%); highest among the groups gnomAD compares: Non-Finnish European, 0.00017%; no homozygotes.

Submission:

PreventionGenetics, part of Exact Sciences
Classification: Uncertain significance for FLT4-related condition. Last evaluated: 2025-12-05. Review status: criteria provided, single submitter. Criteria: ACMG Guidelines, 2015. Collection method: clinical testing. Allele origin: germline.
Comment: The FLT4 c.3196C>T variant is predicted to result in the amino acid substitution p.Pro1066Ser. To our knowledge, this variant has not been reported in the literature or in a large population database (gnomAD), indicating this variant is rare. At this time, the clinical significance of this variant is uncertain due to the absence of conclusive functional and genetic evidence.